The following is an entry in ClinVar:

NM_001139.3(ALOX12B):c.1594G>C (p.Glu532Gln)

Gene: ALOX12B (arachidonate 12-lipoxygenase, 12R type; minus strand). Cytogenetic location: 17p13.1.
Variant type: single nucleotide variant.
Coding change: c.1594G>C on transcript NM_001139.3 (MANE Select); coding-DNA position 1594, G replaced by C.
Protein change: p.Glu532Gln; replaces glutamic acid 532 with glutamine.
Molecular consequence: missense variant.
Genome position (GRCh38, 1-based): chr17:8,075,655, C>G on the plus strand (G>C on the coding strand, the complement: ALOX12B is on the minus strand). VCF-style: chr17-8075655-C-G. GRCh37 (hg19) VCF-style: chr17-7978973-C-G.
Other names: short protein forms E532Q.
Identifiers: ClinVar variation 4688272 (VCV004688272.1).
Genomic context (GRCh38, chr17:8,075,655, plus strand): 5'-CTGAGCTCTCCCGCCCCAGGAGGCACTCTTTAAATATTTCCTGCACCCAAGACTGCAATT[C>G]CGGATCACCCTCCACGGCTGCGTCACTCGGGTAATAATAGGTGATGATCTCCGTCACATA-3'
Protein context (NP_001130.1, residues 522-542): PSDAAVEGDP[Glu532Gln]LQSWVQEIFK

ClinVar aggregate classification (germline): Uncertain significance (1 of 4 stars; one submission).

Submission:

Women's Health and Genetics/Laboratory Corporation of America, LabCorp
Classification: Uncertain significance. Last evaluated: 2025-12-16. Review status: criteria provided, single submitter. Criteria: LabCorp Variant Classification Summary - May 2015. Collection method: clinical testing. Allele origin: germline.
Comment: Variant summary: ALOX12B c.1594G>C (p.Glu532Gln) results in a conservative amino acid change in the encoded protein sequence. Algorithms developed to predict the effect of missense changes on protein structure and function are either unavailable or do not agree on the potential impact of this missense change. The variant was absent in 251490 control chromosomes. The available data on variant occurrences in the general population are insufficient to allow any conclusion about variant significance. c.1594G>C has been observed in individual(s) affected with Autosomal recessive congenital ichthyosis 2 (Diociaiuti_2016). These data do not allow any conclusion about variant significance. To our knowledge, no experimental evidence demonstrating an impact on protein function has been reported. The following publication has been ascertained in the context of this evaluation (PMID: 26762237). No submitters have cited clinical-significance assessments for this variant to ClinVar. Based on the evidence outlined above, the variant was classified as uncertain significance.

Literature cited by the submitters: PubMed 26762237.